The following is an entry in ClinVar:

ClinVar aggregate classification (germline): Uncertain significance. Review status: criteria provided, multiple submitters, no conflicts (2 of 4 stars). 2 submissions from 2 submitters: Uncertain significance (2). Last evaluated 2024-04-19.

Conditions:
Hereditary cancer-predisposing syndrome. Also called: Neoplastic Syndromes, Hereditary; Tumor predisposition; Hereditary Cancer Syndrome; Hereditary neoplastic syndrome. Identifiers: Orphanet 140162, MedGen C0027672, MeSH D009386, MONDO:0015356.

Submissions (2):

Ambry Genetics
Classification: Uncertain significance for Hereditary cancer-predisposing syndrome. Last evaluated: 2024-04-19. Review status: criteria provided, single submitter. Criteria: Ambry Variant Classification Scheme 2023. Collection method: clinical testing. Allele origin: germline.
Comment: The p.K1628E variant (also known as c.4882A>G), located in coding exon 37 of the TSC2 gene, results from an A to G substitution at nucleotide position 4882. The lysine at codon 1628 is replaced by glutamic acid, an amino acid with similar properties. This amino acid position is conserved. In addition, this alteration is predicted to be deleterious by in silico analysis. Based on the available evidence, the clinical significance of this variant remains unclear.

CeGaT Center for Human Genetics Tuebingen
Classification: Uncertain significance. Last evaluated: 2023-11-01. Review status: criteria provided, single submitter. Criteria: CeGaT Center For Human Genetics Tuebingen Variant Classification Criteria Version 2. Collection method: clinical testing. Allele origin: germline. Affected: yes. Observed: 1 variant allele.
Comment: TSC2: PM2

NM_000548.5(TSC2):c.4882A>G (p.Lys1628Glu)

Gene: TSC2 (TSC complex subunit 2; plus strand). Cytogenetic location: 16p13.3.
Variant type: single nucleotide variant.
Coding change: c.4882A>G on transcript NM_000548.5 (MANE Select); coding-DNA position 4882, A replaced by G.
Protein change: p.Lys1628Glu; replaces lysine 1628 with glutamic acid.
Molecular consequence: missense variant. On other transcripts: non-coding transcript variant (4).
Genome position (GRCh38, 1-based): chr16:2,086,764, A>G. VCF-style: chr16-2086764-A-G. GRCh37 (hg19) VCF-style: chr16-2136765-A-G.
Other names: c.4681A>G, p.Lys1561Glu (NM_001077183.3); c.4813A>G, p.Lys1605Glu (NM_001114382.3); c.4573A>G, p.Lys1525Glu (NM_001318827.2); c.4537A>G, p.Lys1513Glu (NM_001318829.2); c.4150A>G, p.Lys1384Glu (NM_001318831.2); c.4714A>G, p.Lys1572Glu (NM_001318832.2); c.4684A>G, p.Lys1562Glu (NM_001363528.2); c.4750A>G, p.Lys1584Glu (NM_001370404.1); and 26 more; short protein forms K1027E, K1113E, K1114E, K1136E, K1137E, K1157E, K1361E, K1362E.
Identifiers: ClinVar variation 2672604 (VCV002672604.24), dbSNP rs2151585228, ClinGen allele CA394308345.